The following is an entry in ClinVar:

NM_001142864.4(PIEZO1):c.4130C>T (p.Thr1377Ile)

Gene: PIEZO1 (piezo type mechanosensitive ion channel component 1 (Er blood group); minus strand). Cytogenetic location: 16q24.3.
Variant type: single nucleotide variant.
Coding change: c.4130C>T on transcript NM_001142864.4 (MANE Select); coding-DNA position 4130, C replaced by T.
Protein change: p.Thr1377Ile; replaces threonine 1377 with isoleucine.
Molecular consequence: missense variant.
Genome position (GRCh38, 1-based): chr16:88,725,448, G>A on the plus strand (C>T on the coding strand, the complement: PIEZO1 is on the minus strand). VCF-style: chr16-88725448-G-A. GRCh37 (hg19) VCF-style: chr16-88791856-G-A.
Other names: p.Thr1377Ile; short protein forms T1377I.
Identifiers: ClinVar variation 3380428 (VCV003380428.2).

ClinVar aggregate classification (germline): Uncertain significance. Review status: criteria provided, multiple submitters, no conflicts (2 of 4 stars). 2 submissions from 2 submitters: Uncertain significance (2). Last evaluated 2024-08-19.

gnomAD v4.1: 16 of 1,485,876 alleles (0.0011%); highest among the groups gnomAD compares: African/African-American, 0.0014%; no homozygotes.

Submissions (2):

Revvity Omics, Revvity
Classification: Uncertain significance. Last evaluated: 2024-08-19. Review status: criteria provided, single submitter. Criteria: ACMG Guidelines, 2015. Collection method: clinical testing. Allele origin: germline.

Mayo Clinic Laboratories, Mayo Clinic
Classification: Uncertain significance. Last evaluated: 2023-07-25. Review status: criteria provided, single submitter. Criteria: ACMG Guidelines, 2015. Collection method: clinical testing. Allele origin: germline. Observed: 1 variant allele.
Comment: BP4_strong